The following is an entry in ClinVar:

NM_000404.4(GLB1):c.1318C>T (p.His440Tyr)

Gene: GLB1 (galactosidase beta 1; minus strand). Cytogenetic location: 3p22.3.
Variant type: single nucleotide variant.
Coding change: c.1318C>T on transcript NM_000404.4 (MANE Select); coding-DNA position 1318, C replaced by T.
Protein change: p.His440Tyr; replaces histidine 440 with tyrosine.
Molecular consequence: missense variant.
Genome position (GRCh38, 1-based): chr3:33,018,477, G>A on the plus strand (C>T on the coding strand, the complement: GLB1 is on the minus strand). VCF-style: chr3-33018477-G-A. GRCh37 (hg19) VCF-style: chr3-33059969-G-A.
Other names: c.1228C>T, p.His410Tyr (NM_001079811.3); c.925C>T, p.His309Tyr (NM_001135602.3); c.1462C>T, p.His488Tyr (NM_001317040.2); c.1318C>T, p.His440Tyr (NM_001393580.1); short protein forms H410Y, H488Y, H440Y, H309Y.
Identifiers: ClinVar variation 827672 (VCV000827672.4), dbSNP rs1575414831, ClinGen allele CA351992123.

ClinVar aggregate classification (germline): Pathogenic (0 of 4 stars; one submission).

Conditions:
Infantile GM1 gangliosidosis. Also called: Gangliosidosis, Generalized GM1, Type 1; GM1 gangliosidosis type 1; GM1-gangliosidosis, type I; Gangliosidosis, generalized GM1, infantile form; GLB1 deficiency. Identifiers: Orphanet 354, Orphanet 79255, MedGen C0268271, MONDO:0009260, OMIM 230500.

Submission:

Biological Sciences, International Islamic University, Islamabad
Classification: Pathogenic for Infantile GM1 gangliosidosis. Last evaluated: 2019-08-15. Review status: no assertion criteria provided. Collection method: clinical testing. Allele origin: inherited. Inheritance: Autosomal recessive inheritance. Affected: yes. Observed: 1 homozygote.
Comment: This specific pathogenic mutation was confirmed with the Sanger sequencing method and showed complete segregation with family. Parents are heterozygous and two affected children were homozygous.